The following is an entry in ClinVar:

NM_000038.6(APC):c.2964_2965delinsT (p.Glu988fs)

Gene: APC (APC regulator of WNT signaling pathway; plus strand). Cytogenetic location: 5q22.2.
Variant type: Indel.
Coding change: c.2964_2965delinsT on transcript NM_000038.6 (MANE Select); coding-DNA positions 2964 to 2965, AG replaced by T.
Protein change: p.Glu988fs; shifts the reading frame from glutamic acid 988.
Molecular consequence: frameshift variant.
Genome position (GRCh38, 1-based): chr5:112,838,558-112,838,559, AG replaced by T. VCF-style: chr5-112838558-AG-T. GRCh37 (hg19) VCF-style: chr5-112174255-AG-T.
Other names: c.2964_2965delinsT, p.Glu988fs (NM_001127510.3, NM_001354895.2); c.2910_2911delinsT, p.Glu970fs (NM_001127511.3); c.3018_3019delinsT, p.Glu1006fs (NM_001354896.2); c.2994_2995delinsT, p.Glu998fs (NM_001354897.2); c.2889_2890delinsT, p.Glu963fs (NM_001354898.2); c.2880_2881delinsT, p.Glu960fs (NM_001354899.2); c.2841_2842delinsT, p.Glu947fs (NM_001354900.2); c.2787_2788delinsT, p.Glu929fs (NM_001354901.2); and 5 more; short protein forms E828fs, E862fs, E887fs, E929fs, E963fs, E947fs, E970fs, E998fs.
Identifiers: ClinVar variation 422348 (VCV000422348.2), dbSNP rs1064795724, ClinGen allele CA16618079.

ClinVar aggregate classification (germline): Pathogenic (1 of 4 stars; one submission).

Submission:

GeneDx
Classification: Pathogenic. Last evaluated: 2018-12-10. Review status: criteria provided, single submitter. Criteria: GeneDx Variant Classification (06012015). Collection method: clinical testing. Allele origin: germline. Affected: yes.
Comment: This combined deletion and insertion is denoted APC c.2964_2965delAGinsT at the cDNA level and p.Glu988AspfsX17 (E988DfsX17) at the protein level. The surrounding sequence is CTGA[delAG][insT]ATGA. The variant causes a frameshift which changes a Glutamic Acid to an Aspartic Acid at codon 988, and creates a premature stop codon at position 17 of the new reading frame. Although this variant has not, to our knowledge, been reported in the literature, it is predicted to cause loss of normal protein function through protein truncation as the last 1,856 amino acids are replaced with 16 incorrect amino acids. We consider this variant to be pathogenic.